The following is an entry in ClinVar:

ClinVar aggregate classification (germline): Likely pathogenic. Review status: criteria provided, single submitter (1 of 4 stars). 2 submissions from 2 submitters: Likely pathogenic (1). 1 of the submissions does not count toward it. Last evaluated 2024-03-16.

Conditions:
Salla disease (SD). Also called: Less Severe FSASD (Salla Disease); Sialuria, Finnish type; N-acetylneuraminic acid (NANA) storage disease (NSD); Infantile sialic acid storage disorder (ISSD). Identifiers: Orphanet 309334, Orphanet 834, MedGen C1096903, MONDO:0011449, OMIM 604369.

Allele frequency attached by ClinVar (database versions not stated): ExAC 0.00001; gnomAD exomes below 0.00001.
gnomAD v4.1: 2 of 1,613,810 alleles (0.00012%); highest among the groups gnomAD compares: South Asian, 0.0022%; no homozygotes.

Submissions (2):

Baylor Genetics
Classification: Likely pathogenic for Salla disease. Last evaluated: 2024-03-16. Review status: criteria provided, single submitter. Criteria: ACMG Guidelines, 2015. Collection method: clinical testing. Allele origin: unknown.

Juha Muilu Group; Institute for Molecular Medicine Finland (FIMM)
Classification: Likely pathogenic for Salla disease. Review status: no assertion criteria provided. Collection method: not provided. Allele origin: unknown. Not counted in ClinVar's aggregate classification.
Comment: FinDis database variant: This variant was not found or characterized by our laboratory, data were collected from public sources: see reference
ClinVar note: Converted during submission from probable-pathogenic to Likely pathogenic.

NM_012434.5(SLC17A5):c.983G>A (p.Gly328Glu)

Gene: SLC17A5 (solute carrier family 17 member 5; minus strand). Cytogenetic location: 6q13.
Variant type: single nucleotide variant.
Coding change: c.983G>A on transcript NM_012434.5 (MANE Select); coding-DNA position 983, G replaced by A.
Protein change: p.Gly328Glu; replaces glycine 328 with glutamic acid.
Molecular consequence: missense variant.
Genome position (GRCh38, 1-based): chr6:73,615,443, C>T on the plus strand (G>A on the coding strand, the complement: SLC17A5 is on the minus strand). VCF-style: chr6-73615443-C-T. GRCh37 (hg19) VCF-style: chr6-74325166-C-T.
Other names: short protein forms G328E.
Identifiers: ClinVar variation 56560 (VCV000056560.3), dbSNP rs386833996, ClinGen allele CA263933.